The following is an entry in ClinVar:

ClinVar aggregate classification (germline): Uncertain significance. Review status: criteria provided, multiple submitters, no conflicts (2 of 4 stars). 4 submissions from 4 submitters: Uncertain significance (4). Last evaluated 2025-09-22.

Conditions:
Cerebroretinal microangiopathy with calcifications and cysts 1 (CRMCC1). Identifiers: Orphanet 313838, MedGen C4552029, MONDO:0024564, OMIM 612199.
Dyskeratosis congenita. Identifiers: Orphanet 1775, MedGen C0265965, MONDO:0015780.

Allele frequency attached by ClinVar (database versions not stated): gnomAD 0.00001; TOPMed 0.00001; ExAC 0.00002; gnomAD exomes 0.00002; ESP Exome Variant Server 0.00008.
gnomAD v4.1: 31 of 1,613,884 alleles (0.0019%); highest among the groups gnomAD compares: East Asian, 0.0045%; no homozygotes.

Submissions (4):

Mayo Clinic Laboratories, Mayo Clinic
Classification: Uncertain significance. Last evaluated: 2025-09-22. Review status: criteria provided, single submitter. Criteria: ACMG Guidelines, 2015. Collection method: clinical testing. Allele origin: germline. Observed: 1 variant allele.
Comment: PM2_supporting

Labcorp Genetics (formerly Invitae), Labcorp
Classification: Uncertain significance for Dyskeratosis congenita. Last evaluated: 2023-11-29. Review status: criteria provided, single submitter. Criteria: Invitae Variant Classification Sherloc (09022015). Collection method: clinical testing. Allele origin: germline.
Comment: This sequence change replaces alanine, which is neutral and non-polar, with threonine, which is neutral and polar, at codon 900 of the CTC1 protein (p.Ala900Thr). This variant is present in population databases (rs371670247, gnomAD 0.007%). This variant has not been reported in the literature in individuals affected with CTC1-related conditions. ClinVar contains an entry for this variant (Variation ID: 593195). Advanced modeling of protein sequence and biophysical properties (such as structural, functional, and spatial information, amino acid conservation, physicochemical variation, residue mobility, and thermodynamic stability) performed at Invitae indicates that this missense variant is expected to disrupt CTC1 protein function with a positive predictive value of 80%. In summary, the available evidence is currently insufficient to determine the role of this variant in disease. Therefore, it has been classified as a Variant of Uncertain Significance.

Baylor Genetics
Classification: Uncertain significance for Cerebroretinal microangiopathy with calcifications and cysts 1. Last evaluated: 2022-06-13. Review status: criteria provided, single submitter. Criteria: ACMG Guidelines, 2015. Collection method: clinical testing. Allele origin: unknown.

Eurofins Ntd Llc (ga)
Classification: Uncertain significance. Last evaluated: 2017-07-13. Review status: criteria provided, single submitter. Criteria: EGL Classification Definitions 2015. Collection method: clinical testing. Allele origin: germline. Observed: 1 variant allele, 1 heterozygote.

NM_025099.6(CTC1):c.2698G>A (p.Ala900Thr)

Gene: CTC1 (CST telomere replication complex component 1; minus strand). Cytogenetic location: 17p13.1.
Variant type: single nucleotide variant.
Coding change: c.2698G>A on transcript NM_025099.6 (MANE Select); coding-DNA position 2698, G replaced by A.
Protein change: p.Ala900Thr; replaces alanine 900 with threonine.
Molecular consequence: missense variant. On other transcripts: non-coding transcript variant (1).
Genome position (GRCh38, 1-based): chr17:8,230,623, C>T on the plus strand (G>A on the coding strand, the complement: CTC1 is on the minus strand). VCF-style: chr17-8230623-C-T. GRCh37 (hg19) VCF-style: chr17-8133941-C-T.
Other names: p.Ala900Thr; short protein forms A900T.
Identifiers: ClinVar variation 593195 (VCV000593195.12), dbSNP rs371670247, ClinGen allele CA8371998.
Genomic context (GRCh38, chr17:8,230,623, plus strand): 5'-CCAGTTTCATCCAGAGAGACGCCACAAGGGGTTCACATAGTGTCCGTGACAAAATCTCAG[C>T]GGAGAAAGACACCAAGGAATCTGTGAAACTGGAAGGTCAGGGAAATACACTGAGAATGGA-3'
Protein context (NP_079375.3, residues 890-910): NFTDSLVSFS[Ala900Thr]EILSRTLCEP